The following is an entry in ClinVar:

NM_001382430.1(AKT1):c.557T>A (p.Ile186Asn)

Gene: AKT1 (AKT serine/threonine kinase 1; minus strand). Cytogenetic location: 14q32.33.
Variant type: single nucleotide variant.
Coding change: c.557T>A on transcript NM_001382430.1 (MANE Select); coding-DNA position 557, T replaced by A.
Protein change: p.Ile186Asn; replaces isoleucine 186 with asparagine.
Molecular consequence: missense variant.
Genome position (GRCh38, 1-based): chr14:104,775,086, A>T on the plus strand (T>A on the coding strand, the complement: AKT1 is on the minus strand). VCF-style: chr14-104775086-A-T. GRCh37 (hg19) VCF-style: chr14-105241423-A-T.
Other names: c.557T>A, p.Ile186Asn (NM_001014431.2, NM_001014432.2, NM_001382431.1 and 3 more transcripts); short protein forms I186N.
Identifiers: ClinVar variation 5034385 (VCV005034385.1).

ClinVar aggregate classification (germline): Uncertain significance (1 of 4 stars; one submission).

Conditions:
Inborn genetic diseases. Identifiers: MedGen C0950123, MeSH D030342.

Submission:

Ambry Genetics
Classification: Uncertain significance for Inborn genetic diseases. Last evaluated: 2026-07-11. Review status: criteria provided, single submitter. Criteria: Ambry Variant Classification Scheme 2023. Collection method: clinical testing. Allele origin: germline.
Comment: The p.I186N variant (also known as c.557T>A), located in coding exon 5 of the AKT1 gene, results from a T to A substitution at nucleotide position 557. The isoleucine at codon 186 is replaced by asparagine, an amino acid with dissimilar properties. This amino acid position is conserved. In addition, the in silico prediction for this alteration is inconclusive. Based on the available evidence, the clinical significance of this variant remains unclear.